The following is an entry in ClinVar:

ClinVar aggregate classification (germline): Pathogenic/Likely pathogenic. Review status: criteria provided, multiple submitters, no conflicts (2 of 4 stars). 11 submissions from 11 submitters: Pathogenic (9); Likely pathogenic (2). Last evaluated 2026-07-01.

Conditions:
MYBPC3-related disorder. Also called: MYBPC3-related disorders; MYBPC3-related condition; MYBPC3-related disease.
Cardiovascular phenotype. Identifiers: MedGen CN230736.
Left ventricular noncompaction 10 (LVNC10). Identifiers: Orphanet 154, Orphanet 54260, MedGen C3715165, MONDO:0014163, OMIM 615396.
Hypertrophic cardiomyopathy 4. Also called: Familial hypertrophic cardiomyopathy 4. Identifiers: MedGen C1861862, MONDO:0007268, OMIM 115197.
Cardiomyopathy (CMYO). Also called: Cardiomyopathies. Identifiers: Orphanet 167848, MedGen C0878544, MONDO:0004994, HP:0001638. Inheritance: Various modes of inheritance.
Hypertrophic cardiomyopathy. Also called: HYPERTROPHIC MYOCARDIOPATHY. Identifiers: Orphanet 217569, MedGen C0007194, MeSH D002312, MONDO:0005045, HP:0001639.

Submissions (11):

CeGaT Center for Human Genetics Tuebingen
Classification: Pathogenic. Last evaluated: 2026-07-01. Review status: criteria provided, single submitter. Criteria: CeGaT Center For Human Genetics Tuebingen Variant Classification Criteria Version 2. Collection method: clinical testing. Allele origin: germline. Affected: yes. Observed: 1 variant allele.
Comment: MYBPC3: PVS1, PS4:Moderate

GeneDx
Classification: Pathogenic. Last evaluated: 2025-12-31. Review status: criteria provided, single submitter. Criteria: GeneDx Variant Classification Process June 2021. Collection method: clinical testing. Allele origin: germline. Affected: yes.
Comment: Identified in patients with cardiomyopathy referred for genetic testing at GeneDx and in published literature (PMID: 20474083, 24793961, 27532257, 37652022); Frameshift variant predicted to result in protein truncation or nonsense mediated decay in a gene for which loss of function is a known mechanism of disease; Not observed at significant frequency in large population cohorts (gnomAD); This variant is associated with the following publications: (PMID: 20474083, 24793961, 27532257, 37652022)

Labcorp Genetics (formerly Invitae), Labcorp
Classification: Pathogenic for Hypertrophic cardiomyopathy. Last evaluated: 2025-12-19. Review status: criteria provided, single submitter. Criteria: Invitae Variant Classification Sherloc (09022015). Collection method: clinical testing. Allele origin: germline.
Comment: This sequence change creates a premature translational stop signal (p.Leu667Aspfs*15) in the MYBPC3 gene. It is expected to result in an absent or disrupted protein product. Loss-of-function variants in MYBPC3 are known to be pathogenic (PMID: 19574547). This variant is present in population databases (no rsID available, gnomAD 0.03%). This premature translational stop signal has been observed in individual(s) with hypertrophic or dilated cardiomyopathy (PMID: 20474083, 24793961, 27532257). For these reasons, this variant has been classified as Pathogenic.

PreventionGenetics, part of Exact Sciences
Classification: Pathogenic for MYBPC3-related condition. Last evaluated: 2025-07-03. Review status: criteria provided, single submitter. Criteria: ACMG Guidelines, 2015. Collection method: clinical testing. Allele origin: germline.
Comment: The MYBPC3 c.1999_2000delinsG variant is predicted to result in a frameshift and premature protein termination (p.Leu667Aspfs*15). This variant has been reported in multiple individuals with hypertrophic or dilated cardiomyopathy (see for example: Zimmerman et al. 2010. PubMed ID: 20474083; Supplemental Table 1, Bos et al. 2014. PubMed ID: 24793961; Table S1, Walsh et al. 2016. PubMed ID: 27532257; Supplemental Table 1, Ho et al 2018. PubMed ID: 30297972). This variant has not been reported in a large population database, indicating this variant is rare. Frameshift variants in MYBPC3 are expected to be pathogenic. This variant is interpreted as pathogenic.

Color Diagnostics, LLC DBA Color Health
Classification: Pathogenic for Cardiomyopathy. Last evaluated: 2024-12-17. Review status: criteria provided, single submitter. Criteria: ACMG Guidelines, 2015. Collection method: clinical testing. Allele origin: germline.
Comment: This variant deletes 3 nucleotides in exon 21 of the MYBPC3 gene, creating a frameshift and premature translation stop signal. This variant is expected to result in an absent or non-functional protein product. This variant has been reported in individuals affected with hypertrophic cardiomyopathy (PMID: 24793961, 24835277, 27532257, 30297972, 32841044) and in an individual affected with dilated cardiomyopathy (PMID: 20474083). This variant has not been identified in the general population by the Genome Aggregation Database (gnomAD). Loss of MYBPC3 function is a known mechanism of disease. Based on the available evidence, this variant is classified as Pathogenic.

All of Us Research Program, National Institutes of Health
Classification: Pathogenic for Hypertrophic cardiomyopathy. Last evaluated: 2024-07-23. Review status: criteria provided, single submitter. Criteria: ACMG Guidelines, 2015. Collection method: clinical testing. Allele origin: germline. Inheritance: Autosomal dominant inheritance. Observed: 1 variant allele, 1 heterozygote.
Comment: This variant is predicted to result in loss of protein function through nonsense-mediated or protein truncation. Loss of function is an established mechanism of disease. This prediction has not been confirmed by functional studies. This variant has been reported in multiple individuals with hypertrophic cardiomyopathy (PMID: 7532257, 25611685, 20474083, 28840316, 30297972, 32841044) .This variant is absent from or rare in large population databases, including the Genome Aggregation Database.

This study involves interpretation of variants in research participants for the purpose of population health screening. Participant phenotype was not available at the time of variant classification. Additional details can be found in publication PMID: 35346344, PMCID: PMC8962531

Ambry Genetics
Classification: Pathogenic for Cardiovascular phenotype. Last evaluated: 2022-07-08. Review status: criteria provided, single submitter. Criteria: Ambry Variant Classification Scheme 2023. Collection method: clinical testing. Allele origin: germline.
Comment: The c.1999_2000delCTinsG pathogenic mutation, located in coding exon 21 of the MYBPC3 gene, results from the deletion of two nucleotides and insertion of one nucleotide causing a translational frameshift with a predicted alternate stop codon (p.L667Dfs*15). This alteration has been reported in subjects with dilated cardiomyopathy (DCM) and hypertrophic cardiomyopathy (HCM) (Zimmerman RS et al. Genet. Med., 2010 May;12:268-78; Bos JM et al. Mayo Clin. Proc., 2014 Jun;89:727-37; Walsh R et al. Genet. Med., 2017 02;19:192-203). In addition to the clinical data presented in the literature, this alteration is expected to result in loss of function by premature protein truncation or nonsense-mediated mRNA decay. As such, this alteration is interpreted as a disease-causing mutation.

New York Genome Center
Classification: Likely pathogenic for Hypertrophic cardiomyopathy 4; Left ventricular noncompaction 10. Last evaluated: 2022-01-25. Review status: criteria provided, single submitter. Criteria: NYGC Assertion Criteria 2020. Collection method: clinical testing. Allele origin: germline. Observed: 1 heterozygote.
Comment: The c.1999_2000delCTinsG (p.Leu667AspfsTer15) variant identified in the MYBPC3 gene resulting in a frameshift at amino acid 667/1275 (exon 21/35) is predicted to lead to the premature termination of the protein 15 amino acids downstream and is expected to result in either an abnormal, truncated protein product or loss of protein through nonsense-mediated mRNA decay. The variant has been reported in several individuals affected with hypertrophic cardiomyopathy in the literature (PMID: 20474083, 24793961, 27532257). The variant has 0.0001117 allele frequency in the gnomAD (v3.1.2) database (17 out of 152182 heterozygous alleles, no homozygotes). The variant is reported as Pathogenic by multiple submitters in ClinVar (Variation ID: 164091). Based on the available evidence, the heterozygous c.1999_2000delCTinsG (p.Leu667AspfsTer15) variant identified in the MYBPC3 gene is reported as Likely Pathogenic.

Fulgent Genetics
Classification: Likely pathogenic for Hypertrophic cardiomyopathy 4; Left ventricular noncompaction 10. Last evaluated: 2021-12-06. Review status: criteria provided, single submitter. Criteria: ACMG Guidelines, 2015. Collection method: clinical testing. Allele origin: unknown.

Division of Medical Genetics, University of Washington
Classification: Pathogenic for Hypertrophic cardiomyopathy 4. Last evaluated: 2020-05-05. Review status: criteria provided, single submitter. Criteria: ACMG Guidelines, 2015. Collection method: clinical testing. Allele origin: germline. Study: CSER_CHARM.
Comment: This variant leads to a translational frameshift and the introduction of a premature termination codon 15 residues downstream. The variant transcript is predicted to be unstable and degraded by nonsense-mediated decay. Loss of expression of one allele of MYBPC3 is a well-established mechanism of disease for hypertrophic cardiomyopathy (Marston 2009). This variant has been reported in the literature in multiple individuals with hypertrophic or dilated cardiomyopathy (Zimmerman 2010, Bos 2014, Walsh 2017). This variant has an overall allele frequency of 0.00004 in the Broad Institute gnomAD Browser. Thus, this variant is interpreted as pathogenic. PVS1

Laboratory for Molecular Medicine, Mass General Brigham Personalized Medicine
Classification: Pathogenic for Hypertrophic cardiomyopathy. Last evaluated: 2013-11-08. Review status: criteria provided, single submitter. Criteria: LMM Criteria. Collection method: clinical testing. Allele origin: germline. Inheritance: Autosomal dominant inheritance. Observed: 3 variant alleles.
Comment: The Leu667fs variant in MYBPC3 has been identified by our laboratory in 2 Hispan ic individuals with HCM. Data from large population studies is insufficient to a ssess the frequency of this variant. This frameshift variant is predicted to alt er the protein?s amino acid sequence beginning at position 667 and lead to a pre mature termination codon 15 amino acids downstream. This alteration is then pred icted to lead to a truncated or absent protein. Heterozygous loss of function of the MYBPC3 gene is an established disease mechanism in individuals with HCM. In summary, this variant meets our criteria to be classified as pathogenic based on the predicated impact of the variant.

Literature cited by the submitters: PubMed 19574547 (cited by Labcorp Genetics (formerly Invitae), Labcorp); PubMed 20474083 (cited by 4 submitters); PubMed 24793961 (cited by 3 submitters); PubMed 27532257 (cited by 3 submitters); PubMed 24835277 (cited by Color Diagnostics, LLC DBA Color Health); PubMed 30297972 (cited by Color Diagnostics, LLC DBA Color Health and All of Us Research Program, National Institutes of Health); PubMed 32841044 (cited by Color Diagnostics, LLC DBA Color Health and All of Us Research Program, National Institutes of Health); PubMed 7532257 (cited by All of Us Research Program, National Institutes of Health); PubMed 25611685 (cited by All of Us Research Program, National Institutes of Health); PubMed 28840316 (cited by All of Us Research Program, National Institutes of Health).

NC_000011.10:g.47339718_47339719delinsC

Gene: MYBPC3 (myosin binding protein C3; minus strand). Cytogenetic location: 11p11.2.
Variant type: Indel.
Genome position: GRCh38 VCF-style: chr11-47339718-AG-C. GRCh37 (hg19) VCF-style: chr11-47361269-AG-C.
Other names: c.1999_2000delCTinsG (NM_000256.3).
Identifiers: ClinVar variation 164091 (VCV000164091.23), dbSNP rs727503192, ClinGen allele CA011614.